The following is an entry in ClinVar:

NM_203446.3(SYNJ1):c.*793G>T

Gene: SYNJ1 (synaptojanin 1; minus strand). Cytogenetic location: 21q22.11.
Variant type: single nucleotide variant.
Coding change: c.*793G>T on transcript NM_203446.3 (MANE Select); 793 bases downstream of the stop codon, G replaced by T.
Molecular consequence: 3 prime UTR variant. On other transcripts: missense variant (2).
Genome position (GRCh38, 1-based): chr21:32,631,012, C>A on the plus strand (G>T on the coding strand, the complement: SYNJ1 is on the minus strand). VCF-style: chr21-32631012-C-A. GRCh37 (hg19) VCF-style: chr21-34003322-C-A.
Other names: c.*793G>T (NM_001160302.2); c.4564G>T, p.Asp1522Tyr (NM_001160306.2); c.4822G>T, p.Asp1608Tyr (NM_003895.4); short protein forms D1522Y, D1608Y.
Identifiers: ClinVar variation 1376690 (VCV001376690.7), dbSNP rs536572904, ClinGen allele CA10003036.
Genomic context (GRCh38, chr21:32,631,012, plus strand): 5'-ATCCTGCCAAAAGCAAGTACCCACTGTTTTCTATTGCATGGCGTTATCTTTCTGTAAAGT[C>A]CAGTGTGGGTGAAGCCTTAGAGGCCAAGGTCGTGAAAGGATCTACTGGAGGGCTGGTGCC-3'

ClinVar aggregate classification (germline): Uncertain significance. Review status: criteria provided, multiple submitters, no conflicts (2 of 4 stars). 2 submissions from 2 submitters: Uncertain significance (2). Last evaluated 2025-10-10.

Conditions:
Developmental and epileptic encephalopathy, 53. Also called: Epileptic encephalopathy, early infantile, 53. Identifiers: MedGen C4479313, MONDO:0033362, OMIM 617389.
Early-onset Parkinson disease 20. Also called: PARKINSON DISEASE 20, AUTOSOMAL RECESSIVE EARLY-ONSET. Identifiers: Orphanet 391411, MedGen C3809824, MONDO:0014233, OMIM 615530.
Inborn genetic diseases. Identifiers: MedGen C0950123, MeSH D030342.

Allele frequency attached by ClinVar (database versions not stated): gnomAD exomes 0.00001 and 0.00004; gnomAD 0.00004 and 0.00005; ExAC 0.00005; 1000 Genomes Project 30x 0.00031; 1000 Genomes Project 0.00040.
gnomAD v4.1: 30 of 1,613,408 alleles (0.0019%); highest among the groups gnomAD compares: African/African-American, 0.017%; no homozygotes.

Submissions (2):

Labcorp Genetics (formerly Invitae), Labcorp
Classification: Uncertain significance for Developmental and epileptic encephalopathy, 53; Early-onset Parkinson disease 20. Last evaluated: 2025-10-10. Review status: criteria provided, single submitter. Criteria: Invitae Variant Classification Sherloc (09022015). Collection method: clinical testing. Allele origin: germline.
Comment: This sequence change replaces aspartic acid, which is acidic and polar, with tyrosine, which is neutral and polar, at codon 1608 of the SYNJ1 protein (p.Asp1608Tyr). This variant is present in population databases (rs536572904, gnomAD 0.03%). This variant has not been reported in the literature in individuals affected with SYNJ1-related conditions. ClinVar contains an entry for this variant (Variation ID: 1376690). An algorithm developed to predict the effect of missense changes on protein structure and function (PolyPhen-2) suggests that this variant is likely to be disruptive. In summary, the available evidence is currently insufficient to determine the role of this variant in disease. Therefore, it has been classified as a Variant of Uncertain Significance.

Ambry Genetics
Classification: Uncertain significance for Inborn genetic diseases. Last evaluated: 2023-11-02. Review status: criteria provided, single submitter. Criteria: Ambry Variant Classification Scheme 2023. Collection method: clinical testing. Allele origin: germline.